The following is an entry in ClinVar:

ClinVar aggregate classification (germline): Uncertain significance (1 of 4 stars; one submission).

Allele frequency attached by ClinVar (database versions not stated): gnomAD exomes below 0.00001 and 0.00001; gnomAD 0.00001; TOPMed 0.00001; ExAC 0.00002.
gnomAD v4.1: 4 of 1,613,760 alleles (0.00025%); highest among the groups gnomAD compares: African/African-American, 0.0053%; no homozygotes.

Submission:

Labcorp Genetics (formerly Invitae), Labcorp
Classification: Uncertain significance. Last evaluated: 2022-08-31. Review status: criteria provided, single submitter. Criteria: Invitae Variant Classification Sherloc (09022015). Collection method: clinical testing. Allele origin: germline.
Comment: This sequence change replaces proline, which is neutral and non-polar, with serine, which is neutral and polar, at codon 759 of the OCA2 protein (p.Pro759Ser). This variant is present in population databases (rs765361091, gnomAD 0.01%). This variant has not been reported in the literature in individuals affected with OCA2-related conditions. ClinVar contains an entry for this variant (Variation ID: 1346361). Advanced modeling of protein sequence and biophysical properties (such as structural, functional, and spatial information, amino acid conservation, physicochemical variation, residue mobility, and thermodynamic stability) performed at Invitae indicates that this missense variant is not expected to disrupt OCA2 protein function. In summary, the available evidence is currently insufficient to determine the role of this variant in disease. Therefore, it has been classified as a Variant of Uncertain Significance.

NM_000275.3(OCA2):c.2275C>T (p.Pro759Ser)

Gene: OCA2 (OCA2 melanosomal transmembrane protein; minus strand). Cytogenetic location: 15q13.1.
Variant type: single nucleotide variant.
Coding change: c.2275C>T on transcript NM_000275.3 (MANE Select); coding-DNA position 2275, C replaced by T.
Protein change: p.Pro759Ser; replaces proline 759 with serine.
Molecular consequence: missense variant.
Genome position (GRCh38, 1-based): chr15:27,851,445, G>A on the plus strand (C>T on the coding strand, the complement: OCA2 is on the minus strand). VCF-style: chr15-27851445-G-A. GRCh37 (hg19) VCF-style: chr15-28096591-G-A.
Other names: c.2203C>T, p.Pro735Ser (NM_001300984.2); short protein forms P735S, P759S.
Identifiers: ClinVar variation 1346361 (VCV001346361.5), dbSNP rs765361091, ClinGen allele CA7438660.